The following is an entry in ClinVar:

NM_018055.5(NODAL):c.*722G>C

Gene: NODAL (nodal growth differentiation factor; minus strand). Cytogenetic location: 10q22.1.
Variant type: single nucleotide variant.
Coding change: c.*722G>C on transcript NM_018055.5 (MANE Select); 722 bases downstream of the stop codon, G replaced by C.
Molecular consequence: 3 prime UTR variant.
Genome position (GRCh38, 1-based): chr10:70,432,214, C>G on the plus strand (G>C on the coding strand, the complement: NODAL is on the minus strand). VCF-style: chr10-70432214-C-G. GRCh37 (hg19) VCF-style: chr10-72191970-C-G.
Other names: NC_000010.10:g.72191970C>G; c.*722G>C (NM_001329906.2).
Identifiers: ClinVar variation 300289 (VCV000300289.7), dbSNP rs2279254, ClinGen allele CA10631952.

ClinVar aggregate classification (germline): Benign. Review status: criteria provided, multiple submitters, no conflicts (2 of 4 stars). 3 submissions from 2 submitters: Benign (3). Last evaluated 2018-01-13.

Conditions:
Holoprosencephaly sequence (HPE). Also called: Holoprosencephaly. Identifiers: Orphanet 2162, MedGen C0079541, MONDO:0016296, HP:0001360.
Heterotaxy, visceral, 5, autosomal (HTX5). Also called: Heterotaxy, visceral, 5. Identifiers: Orphanet 450, MedGen C3495537, MONDO:0700112, OMIM 270100.

Allele frequency attached by ClinVar (database versions not stated): TOPMed 0.42708; gnomAD 0.43411 and 0.43873; 1000 Genomes Project 30x 0.45128; 1000 Genomes Project 0.45767; gnomAD exomes 0.50311.
gnomAD v4.1: 67,349 of 153,198 alleles (44%); highest among the groups gnomAD compares: East Asian, 66%; 15,829 homozygotes.

Submissions (5):

Illumina Laboratory Services, Illumina
Classification: Benign for Holoprosencephaly sequence. Last evaluated: 2018-01-13. Review status: criteria provided, single submitter. Criteria: ICSL Variant Classification Criteria 13 December 2019. Collection method: clinical testing. Allele origin: germline.
Comment: This variant was observed in the ICSL laboratory as part of a predisposition screen in an ostensibly healthy population. It had not been previously curated by ICSL or reported in the Human Gene Mutation Database (HGMD: prior to June 1st, 2018), and was therefore a candidate for classification through an automated scoring system. Utilizing variant allele frequency, disease prevalence and penetrance estimates, and inheritance mode, an automated score was calculated to assess if this variant is too frequent to cause the disease. Based on the score and internal cut-off values, a variant classified as benign is not then subjected to further curation. The score for this variant resulted in a classification of benign for this disease.

Illumina Laboratory Services, Illumina
Classification: Benign for Heterotaxy, visceral, 5, autosomal. Last evaluated: 2018-01-13. Review status: criteria provided, single submitter. Criteria: ICSL Variant Classification Criteria 13 December 2019. Collection method: clinical testing. Allele origin: germline.
Comment: the same text as in the submission from Illumina Laboratory Services, Illumina above.

Breakthrough Genomics
Classification: Benign. Review status: criteria provided, single submitter. Criteria: ACMG Guidelines, 2015. Collection method: not provided. Allele origin: germline. Inheritance: Autosomal dominant inheritance. Affected: yes.

Dr. Peter K. Rogan Lab, Western University
No classification provided (evidence only). Condition: Uterine corpus endometrial carcinoma. Review status: no classification provided. Collection method: in vitro. Allele origin: not applicable. Functional consequence: retained intron. Not counted in ClinVar's aggregate classification.

Dr. Peter K. Rogan Lab, Western University
No classification provided (evidence only). Condition: Cervical cancer. Review status: no classification provided. Collection method: in vitro. Allele origin: not applicable. Functional consequence: retained intron. Not counted in ClinVar's aggregate classification.